The following is an entry in ClinVar:

ClinVar aggregate classification (germline): Uncertain significance. Review status: criteria provided, multiple submitters, no conflicts (2 of 4 stars). 2 submissions from 2 submitters: Uncertain significance (2). Last evaluated 2025-04-14.

Conditions:
Ornithine aminotransferase deficiency (GACR). Also called: Ornithine ketoacid aminotransferase deficiency; Gyrate atrophy; Gyrate atrophy of choroid and retina; Girate atrophy of the retina; HYPERORNITHINEMIA WITH GYRATE ATROPHY OF CHOROID AND RETINA; OAT DEFICIENCY. Identifiers: Orphanet 414, MedGen C0018425, MONDO:0009796, OMIM 258870.
Inborn genetic diseases. Identifiers: MedGen C0950123, MeSH D030342.

gnomAD v4.1: 6 of 1,614,000 alleles (0.00037%); highest among the groups gnomAD compares: African/African-American, 0.008%; no homozygotes.

Submissions (2):

Ambry Genetics
Classification: Uncertain significance for Inborn genetic diseases. Last evaluated: 2025-04-14. Review status: criteria provided, single submitter. Criteria: Ambry Variant Classification Scheme 2023. Collection method: clinical testing. Allele origin: germline.

Labcorp Genetics (formerly Invitae), Labcorp
Classification: Uncertain significance for Ornithine aminotransferase deficiency. Last evaluated: 2022-03-04. Review status: criteria provided, single submitter. Criteria: Invitae Variant Classification Sherloc (09022015). Collection method: clinical testing. Allele origin: germline.
Comment: This sequence change replaces asparagine, which is neutral and polar, with histidine, which is basic and polar, at codon 282 of the OAT protein (p.Asn282His). This variant is present in population databases (no rsID available, gnomAD 0.01%). This variant has not been reported in the literature in individuals affected with OAT-related conditions. Algorithms developed to predict the effect of missense changes on protein structure and function (SIFT, PolyPhen-2, Align-GVGD) all suggest that this variant is likely to be tolerated. In summary, the available evidence is currently insufficient to determine the role of this variant in disease. Therefore, it has been classified as a Variant of Uncertain Significance.

NM_000274.4(OAT):c.844A>C (p.Asn282His)

Gene: OAT (ornithine aminotransferase; minus strand). Cytogenetic location: 10q26.13.
Variant type: single nucleotide variant.
Coding change: c.844A>C on transcript NM_000274.4 (MANE Select); coding-DNA position 844, A replaced by C.
Protein change: p.Asn282His; replaces asparagine 282 with histidine.
Molecular consequence: missense variant.
Genome position (GRCh38, 1-based): chr10:124,402,983, T>G on the plus strand (A>C on the coding strand, the complement: OAT is on the minus strand). VCF-style: chr10-124402983-T-G. GRCh37 (hg19) VCF-style: chr10-126091552-T-G.
Other names: c.430A>C, p.Asn144His (NM_001171814.2); c.844A>C, p.Asn282His (NM_001322965.2, NM_001322966.2, NM_001322967.2 and 3 more transcripts); c.523A>C, p.Asn175His (NM_001322971.2); c.244A>C, p.Asn82His (NM_001322974.2); c.844A>C (NM_000274.3); short protein forms N175H, N282H, N144H, N82H.
Identifiers: ClinVar variation 1352814 (VCV001352814.6), dbSNP rs144131321, ClinGen allele CA378635331.
Genomic context (GRCh38, chr10:124,402,983, plus strand): 5'-TTACAGGGTATAAGCCCCCAGAAAGGGCCTTTCCAAGGAGGACTATATCAGGTCTGACAT[T>G]TTCATAATCAACAGCCAGCCATCTACCAGTTCTGGCCAATCCTGTCTGTATTTCATCAGC-3'
Protein context (NP_000265.1, residues 272-292): TGRWLAVDYE[Asn282His]VRPDIVLLGK